The following is an entry in ClinVar:

NM_001042492.3(NF1):c.4797del (p.Ala1601fs)

Gene: NF1 (neurofibromin 1; plus strand). Cytogenetic location: 17q11.2.
Variant type: Deletion.
Coding change: c.4797del on transcript NM_001042492.3 (MANE Select); coding-DNA position 4797, one base deleted (C; older notation c.4797delC).
Protein change: p.Ala1601fs; shifts the reading frame from alanine 1601.
Molecular consequence: frameshift variant.
Genome position (GRCh38, 1-based): chr17:31,265,301, C deleted; the last of 2 consecutive C bases (chr17:31,265,300-31,265,301); deleting either gives the same sequence. VCF-style (leftmost placement, unchanged base first): chr17-31265299-TC-T. GRCh37 (hg19) VCF-style: chr17-29592317-TC-T.
Other names: c.4734delC, p.Ala1580Leufs (NM_000267.4); short protein forms A1601fs, A1580fs.
Identifiers: ClinVar variation 3722677 (VCV003722677.2).
Genomic context (GRCh38, chr17:31,265,299, plus strand): 5'-CATGAAAAAGAAGAATTCAAGGCTTTGAAAACGTTAAGTATTTTCTACCAAGCTGGGACT[TC>T]CAAAGCTGGGAATCCTATTTTTTATTATGTTGCACGGAGGTAAGAAATACTATGTTTTGG-3'

ClinVar aggregate classification (germline): Pathogenic (1 of 4 stars; one submission).

Conditions:
Neurofibromatosis, type 1 (NF1). Also called: VON RECKLINGHAUSEN DISEASE; NEUROFIBROMATOSIS, TYPE I, SOMATIC; Peripheral type neurofibromatosis; Neurofibromatosis, type I. Identifiers: Orphanet 636, MedGen C0027831, MONDO:0018975, OMIM 162200. Disease mechanism: loss of function.

Submission:

Labcorp Genetics (formerly Invitae), Labcorp
Classification: Pathogenic for Neurofibromatosis, type 1. Last evaluated: 2024-09-15. Review status: criteria provided, single submitter. Criteria: Invitae Variant Classification Sherloc (09022015). Collection method: clinical testing. Allele origin: germline.
Comment: This sequence change creates a premature translational stop signal (p.Ala1580Leufs*23) in the NF1 gene. It is expected to result in an absent or disrupted protein product. Loss-of-function variants in NF1 are known to be pathogenic (PMID: 10712197, 23913538). This variant is not present in population databases (gnomAD no frequency). This premature translational stop signal has been observed in individual(s) with neurofibromatosis type 1 (PMID: 21354044). For these reasons, this variant has been classified as Pathogenic.

Literature cited by the submitters: PubMed 10712197; PubMed 23913538; PubMed 21354044.